The following is an entry in ClinVar:

NM_006311.4(NCOR1):c.5986GTT[1] (p.Val1997del)

Gene: NCOR1 (nuclear receptor corepressor 1; minus strand). Cytogenetic location: 17p12.
Variant type: Microsatellite.
Coding change: c.5986GTT[1] on transcript NM_006311.4 (MANE Select); one copy of the 3-base unit GTT starting at c.5986; the reference has two copies in a row; one copy, 3 bases deleted.
Protein change: p.Val1997del; deletes valine 1997.
Molecular consequence: inframe deletion. On other transcripts: inframe indel (1).
Genome position (GRCh38, 1-based): chr17:16,058,490-16,058,492, AAC deleted on the plus strand (GTT on the coding strand, the reverse complement: NCOR1 is on the minus strand); deleting any 3 consecutive bases within chr17:16,058,490-16,058,495 gives the same sequence; the position shown is the placement nearest the transcript's 3' end. VCF-style (leftmost placement, unchanged base first): chr17-16058489-TAAC-T. GRCh37 (hg19) VCF-style: chr17-15961803-TAAC-T.
Other names: c.5677_5679GTT[1], p.Val1894del (NM_001190440.2); short protein forms V1894del, V1997del.
Identifiers: ClinVar variation 3056111 (VCV003056111.2), dbSNP rs148818383, ClinGen allele CA8408159.

ClinVar aggregate classification (germline): Benign (0 of 4 stars; one submission).

Conditions:
NCOR1-related disorder. Also called: NCOR1-related condition.

Submission:

PreventionGenetics, part of Exact Sciences
Classification: Benign for NCOR1-related condition. Last evaluated: 2019-05-01. Review status: no assertion criteria provided. Collection method: clinical testing. Allele origin: germline.
Comment: This variant is classified as benign based on ACMG/AMP sequence variant interpretation guidelines (Richards et al. 2015 PMID: 25741868, with internal and published modifications).